The following is an entry in ClinVar:

NM_000478.6(ALPL):c.1451T>G (p.Met484Arg)

Gene: ALPL (alkaline phosphatase, biomineralization associated; plus strand). Cytogenetic location: 1p36.12.
Variant type: single nucleotide variant.
Coding change: c.1451T>G on transcript NM_000478.6 (MANE Select); coding-DNA position 1451, T replaced by G.
Protein change: p.Met484Arg; replaces methionine 484 with arginine.
Molecular consequence: missense variant.
Genome position (GRCh38, 1-based): chr1:21,577,524, T>G. VCF-style: chr1-21577524-T-G. GRCh37 (hg19) VCF-style: chr1-21904017-T-G.
Other names: c.1286T>G, p.Met429Arg (NM_001127501.4); c.1220T>G, p.Met407Arg (NM_001177520.3); c.1451T>G, p.Met484Arg (NM_001369803.2, NM_001369804.2, NM_001369805.2); short protein forms M484R, M407R, M429R.
Identifiers: ClinVar variation 560361 (VCV000560361.2), dbSNP rs1558558939, ClinGen allele CA338882246.
Genomic context (GRCh38, chr1:21,577,524, plus strand): 5'-AGGGCCCCATGGCGCACCTGCTGCACGGCGTCCACGAGCAGAACTACGTCCCCCACGTGA[T>G]GGCGTATGCAGCCTGCATCGGGGCCAACCTCGGCCACTGTGCTCCTGCCAGCTCGGCAGG-3'
Protein context (NP_000469.3, residues 474-494): VHEQNYVPHV[Met484Arg]AYAACIGANL

ClinVar aggregate classification (germline): Uncertain significance. Review status: criteria provided, single submitter (1 of 4 stars). 2 submissions from 2 submitters: Uncertain significance (1). 1 of the submissions does not count toward it. Last evaluated 2025-05-07.

Conditions:
Decreased circulating alkaline phosphatase activity. Identifiers: MedGen C1860130, HP:0003282.

Allele frequency attached by ClinVar (database versions not stated): gnomAD exomes below 0.00001.
gnomAD v4.1: 1 of 1,607,780 alleles (0.000062%); highest among the groups gnomAD compares: Non-Finnish European, 0.000085%; no homozygotes.

Submissions (2):

Women's Health and Genetics/Laboratory Corporation of America, LabCorp
Classification: Uncertain significance. Last evaluated: 2025-05-07. Review status: criteria provided, single submitter. Criteria: LabCorp Variant Classification Summary - May 2015. Collection method: clinical testing. Allele origin: germline.
Comment: Variant summary: ALPL c.1451T>G (p.Met484Arg) results in a non-conservative amino acid change in the encoded protein sequence. Algorithms developed to predict the effect of missense changes on protein structure and function all suggest that this variant is likely to be disruptive. The variant was absent in 243704 control chromosomes. c.1451T>G has been observed in individual(s) affected with Hypophosphatasia (Held_2022). These data indicate that the variant may be associated with disease. To our knowledge, no experimental evidence demonstrating an impact on protein function has been reported. The following publication have been ascertained in the context of this evaluation (PMID: 34551461).ClinVar contains an entry for this variant (Variation ID: 560361). Based on the evidence outlined above, the variant was classified as VUS-possibly pathogenic.

Institute of Human Genetics, University of Wuerzburg
Classification: Likely pathogenic for Decreased circulating alkaline phosphatase activity. Review status: no assertion criteria provided. Collection method: clinical testing. Allele origin: unknown. Not counted in ClinVar's aggregate classification.

Literature cited by the submitters: PubMed 34551461 (cited by Women's Health and Genetics/Laboratory Corporation of America, LabCorp).